The following is an entry in ClinVar:

ClinVar aggregate classification (germline): Uncertain significance (1 of 4 stars; one submission).

Allele frequency attached by ClinVar (database versions not stated): gnomAD exomes 0.00001; ExAC 0.00001.
gnomAD v4.1: 18 of 1,613,912 alleles (0.0011%); highest among the groups gnomAD compares: Non-Finnish European, 0.0014%; no homozygotes.

Submission:

Labcorp Genetics (formerly Invitae), Labcorp
Classification: Uncertain significance. Last evaluated: 2022-04-06. Review status: criteria provided, single submitter. Criteria: Invitae Variant Classification Sherloc (09022015). Collection method: clinical testing. Allele origin: germline.
Comment: In summary, the available evidence is currently insufficient to determine the role of this variant in disease. Therefore, it has been classified as a Variant of Uncertain Significance. Advanced modeling of protein sequence and biophysical properties (such as structural, functional, and spatial information, amino acid conservation, physicochemical variation, residue mobility, and thermodynamic stability) performed at Invitae indicates that this missense variant is not expected to disrupt CDHR1 protein function. ClinVar contains an entry for this variant (Variation ID: 1015903). This missense change has been observed in individual(s) with inherited retinal dystrophy (PMID: 32681094). In at least one individual the data is consistent with being in trans (on the opposite chromosome) from a pathogenic variant. This variant is present in population databases (rs780447091, gnomAD 0.002%). This sequence change replaces proline, which is neutral and non-polar, with threonine, which is neutral and polar, at codon 735 of the CDHR1 protein (p.Pro735Thr).

Literature cited by the submitters: PubMed 32681094.

NM_033100.4(CDHR1):c.2203C>A (p.Pro735Thr)

Gene: CDHR1 (cadherin related family member 1; plus strand). Cytogenetic location: 10q23.1.
Variant type: single nucleotide variant.
Coding change: c.2203C>A on transcript NM_033100.4 (MANE Select); coding-DNA position 2203, C replaced by A.
Protein change: p.Pro735Thr; replaces proline 735 with threonine.
Molecular consequence: missense variant. On other transcripts: intron variant (1).
Genome position (GRCh38, 1-based): chr10:84,214,244, C>A. VCF-style: chr10-84214244-C-A. GRCh37 (hg19) VCF-style: chr10-85974000-C-A.
Other names: c.2040+896C>A (NM_001171971.3); short protein forms P735T.
Identifiers: ClinVar variation 1015903 (VCV001015903.6), dbSNP rs780447091, ClinGen allele CA5580168.
Genomic context (GRCh38, chr10:84,214,244, plus strand): 5'-ATCACTGTCCTCATCTCCACCGCCACCTTCTGGCGCAACAAGAAGTCTAACAAGGTCCTG[C>A]CAATGCGGCGGGTGCTCCGCAAGCGGCCCAGCCCTGCGCCCCGCACCATCCGCATTGAGT-3'
Protein context (NP_149091.1, residues 725-745): WRNKKSNKVL[Pro735Thr]MRRVLRKRPS